The following is an entry in ClinVar:

NM_007254.4(PNKP):c.266T>G (p.Val89Gly)

Gene: PNKP (polynucleotide kinase 3'-phosphatase; minus strand). Cytogenetic location: 19q13.33.
Variant type: single nucleotide variant.
Coding change: c.266T>G on transcript NM_007254.4 (MANE Select); coding-DNA position 266, T replaced by G.
Protein change: p.Val89Gly; replaces valine 89 with glycine.
Molecular consequence: missense variant.
Genome position (GRCh38, 1-based): chr19:49,865,359, A>C on the plus strand (T>G on the coding strand, the complement: PNKP is on the minus strand). VCF-style: chr19-49865359-A-C. GRCh37 (hg19) VCF-style: chr19-50368616-A-C.
Other names: short protein forms V89G.
Identifiers: ClinVar variation 3338706 (VCV003338706.1).

ClinVar aggregate classification (germline): Uncertain significance (1 of 4 stars; one submission).

gnomAD v4.1: 11 of 1,613,024 alleles (0.00068%); highest among the groups gnomAD compares: Non-Finnish European, 0.00093%; no homozygotes.

Submission:

GeneDx
Classification: Uncertain significance. Last evaluated: 2023-06-15. Review status: criteria provided, single submitter. Criteria: GeneDx Variant Classification Process June 2021. Collection method: clinical testing. Allele origin: germline. Affected: yes.
Comment: Not observed at significant frequency in large population cohorts (gnomAD); In silico analysis supports that this missense variant does not alter protein structure/function; Has not been previously published as pathogenic or benign to our knowledge; This variant is associated with the following publications: (PMID: 22508754)